The following is an entry in ClinVar:

NM_005996.4(TBX3):c.1955G>A (p.Gly652Asp)

Gene: TBX3 (T-box transcription factor 3; minus strand). Cytogenetic location: 12q24.21.
Variant type: single nucleotide variant.
Coding change: c.1955G>A on transcript NM_005996.4 (MANE Select); coding-DNA position 1955, G replaced by A.
Protein change: p.Gly652Asp; replaces glycine 652 with aspartic acid.
Molecular consequence: missense variant.
Genome position (GRCh38, 1-based): chr12:114,672,058, C>T on the plus strand (G>A on the coding strand, the complement: TBX3 is on the minus strand). VCF-style: chr12-114672058-C-T. GRCh37 (hg19) VCF-style: chr12-115109863-C-T.
Other names: c.2015G>A, p.Gly672Asp (NM_016569.4); short protein forms G652D, G672D.
Identifiers: ClinVar variation 4710778 (VCV004710778.1).
Genomic context (GRCh38, chr12:114,672,058, plus strand): 5'-AGTTCAGAGCCCGAGTCCACTGCCACCGAGGCCGGGCTGGCGGCCAGGGCGGCGACTTTG[C>T]CGTCCAGGGGCCCCGCGGCCGCCGCCATGGAGGGCAGGGCGGTGGTGAGCAGACTGCTGC-3'
Protein context (NP_005987.3, residues 642-662): SMAAAAGPLD[Gly652Asp]KVAALAASPA

ClinVar aggregate classification (germline): Uncertain significance (1 of 4 stars; one submission).

Conditions:
Ulnar-mammary syndrome (UMS). Also called: SCHINZEL SYNDROME; Ulnar-mammary syndrome of Pallister; PALLISTER ULNAR-MAMMARY SYNDROME. Identifiers: Orphanet 3138, MedGen C1866994, MONDO:0008411, OMIM 181450.

Submission:

Labcorp Genetics (formerly Invitae), Labcorp
Classification: Uncertain significance for Ulnar-mammary syndrome. Last evaluated: 2025-08-11. Review status: criteria provided, single submitter. Criteria: Invitae Variant Classification Sherloc (09022015). Collection method: clinical testing. Allele origin: germline.
Comment: This sequence change replaces glycine, which is neutral and non-polar, with aspartic acid, which is acidic and polar, at codon 652 of the TBX3 protein (p.Gly652Asp). This variant is not present in population databases (gnomAD no frequency). This variant has not been reported in the literature in individuals affected with TBX3-related conditions. An algorithm developed to predict the effect of missense changes on protein structure and function (PolyPhen-2) suggests that this variant is likely to be tolerated. In summary, the available evidence is currently insufficient to determine the role of this variant in disease. Therefore, it has been classified as a Variant of Uncertain Significance.